The following is an entry in ClinVar:

NM_001271.4(CHD2):c.3584A>G (p.Asn1195Ser)

Gene: CHD2 (chromodomain helicase DNA binding protein 2; plus strand). Cytogenetic location: 15q26.1.
Variant type: single nucleotide variant.
Coding change: c.3584A>G on transcript NM_001271.4 (MANE Select); coding-DNA position 3584, A replaced by G.
Protein change: p.Asn1195Ser; replaces asparagine 1195 with serine.
Molecular consequence: missense variant.
Genome position (GRCh38, 1-based): chr15:92,992,987, A>G. VCF-style: chr15-92992987-A-G. GRCh37 (hg19) VCF-style: chr15-93536217-A-G.
Other names: short protein forms N1195S.
Identifiers: ClinVar variation 2870696 (VCV002870696.3), dbSNP rs1260620410, ClinGen allele CA393896807.

ClinVar aggregate classification (germline): Uncertain significance (1 of 4 stars; one submission).

Conditions:
Developmental and epileptic encephalopathy 94 (DEE94). Also called: CHD2-Related Neurodevelopmental Disorders; Epileptic encephalopathy, childhood-onset. Identifiers: Orphanet 1942, Orphanet 2382, MedGen C3809278, MONDO:0014150, OMIM 615369.

Allele frequency attached by ClinVar (database versions not stated): gnomAD exomes below 0.00001.
gnomAD v4.1: 2 of 1,613,738 alleles (0.00012%); highest among the groups gnomAD compares: East Asian, 0.0022%; no homozygotes.

Submission:

Labcorp Genetics (formerly Invitae), Labcorp
Classification: Uncertain significance for Developmental and epileptic encephalopathy 94. Last evaluated: 2023-09-22. Review status: criteria provided, single submitter. Criteria: Invitae Variant Classification Sherloc (09022015). Collection method: clinical testing. Allele origin: germline.
Comment: This sequence change replaces asparagine, which is neutral and polar, with serine, which is neutral and polar, at codon 1195 of the CHD2 protein (p.Asn1195Ser). This variant is not present in population databases (gnomAD no frequency). This variant has not been reported in the literature in individuals affected with CHD2-related conditions. Advanced modeling of protein sequence and biophysical properties (such as structural, functional, and spatial information, amino acid conservation, physicochemical variation, residue mobility, and thermodynamic stability) performed at Invitae indicates that this missense variant is not expected to disrupt CHD2 protein function. In summary, the available evidence is currently insufficient to determine the role of this variant in disease. Therefore, it has been classified as a Variant of Uncertain Significance.